The following is an entry in ClinVar:

NM_000090.4(COL3A1):c.2669C>T (p.Pro890Leu)

Gene: COL3A1 (collagen type III alpha 1 chain; plus strand). Cytogenetic location: 2q32.2.
Variant type: single nucleotide variant.
Coding change: c.2669C>T on transcript NM_000090.4 (MANE Select); coding-DNA position 2669, C replaced by T.
Protein change: p.Pro890Leu; replaces proline 890 with leucine.
Molecular consequence: missense variant.
Genome position (GRCh38, 1-based): chr2:189,003,989, C>T. VCF-style: chr2-189003989-C-T. GRCh37 (hg19) VCF-style: chr2-189868715-C-T.
Other names: short protein forms P890L.
Identifiers: ClinVar variation 3074076 (VCV003074076.1), dbSNP rs749905088, ClinGen allele CA62557275.

ClinVar aggregate classification (germline): Uncertain significance (1 of 4 stars; one submission).

Conditions:
Ehlers-Danlos syndrome, type 4 (EDSVASC). Also called: Ehlers-Danlos Syndrome Type IV; Ehlers-Danlos syndrome vascular type; Ehlers Danlos syndrome, ecchymotic type; Ehlers Danlos syndrome, arterial type; Ehlers Danlos syndrome, Sack-Barabas type. Identifiers: Orphanet 286, MedGen C0268338, MONDO:0017314, OMIM 130050.

Allele frequency attached by ClinVar (database versions not stated): gnomAD 0.00001; TOPMed 0.00003.
gnomAD v4.1: 3 of 1,610,714 alleles (0.00019%); highest among the groups gnomAD compares: Non-Finnish European, 0.00025%; no homozygotes.

Submission:

All of Us Research Program, National Institutes of Health
Classification: Uncertain significance for Ehlers-Danlos syndrome, type 4. Last evaluated: 2023-12-01. Review status: criteria provided, single submitter. Criteria: ACMG Guidelines, 2015. Collection method: clinical testing. Allele origin: germline. Inheritance: Autosomal dominant inheritance. Observed: 1 variant allele, 1 heterozygote.
Comment: This study involves interpretation of variants in research participants for the purpose of population health screening. Participant phenotype was not available at the time of variant classification. Additional details can be found in publication PMID: 35346344, PMCID: PMC8962531